The following is an entry in ClinVar:

ClinVar aggregate classification (germline): Conflicting classifications of pathogenicity. Review status: criteria provided, conflicting classifications (1 of 4 stars). 3 submissions from 3 submitters: Uncertain significance (2); Likely benign (1). Last evaluated 2025-05-18.

Conditions:
Inborn genetic diseases. Identifiers: MedGen C0950123, MeSH D030342.
Muscular dystrophy-dystroglycanopathy (congenital with brain and eye anomalies), type A2. Also called: MUSCULAR DYSTROPHY-DYSTROGLYCANOPATHY (CONGENITAL WITH BRAIN AND EYE ANOMALIES), TYPE A, 2; WALKER-WARBURG SYNDROME OR MUSCLE-EYE-BRAIN DISEASE, POMT2-RELATED. Identifiers: Orphanet 588, Orphanet 899, MedGen C3150411, MONDO:0013154, OMIM 613150.
Autosomal recessive limb-girdle muscular dystrophy type 2N. Also called: MUSCULAR DYSTROPHY-DYSTROGLYCANOPATHY, LIMB-GIRDLE, POMT2-RELATED; Muscular dystrophy-dystroglycanopathy (limb-girdle), type C, 2. Identifiers: Orphanet 206559, MedGen C3150418, MONDO:0013162, OMIM 613158.
Muscular dystrophy-dystroglycanopathy (congenital with impaired intellectual development), type B, 2. Also called: MUSCULAR DYSTROPHY, CONGENITAL, POMT2-RELATED; Muscular dystrophy-dystroglycanopathy (congenital with intellectual disability), type B2. Identifiers: MedGen C3150416, MONDO:0013160, OMIM 613156.

Allele frequency attached by ClinVar (database versions not stated): gnomAD exomes 0.00001 and 0.00003; TOPMed 0.00002; gnomAD 0.00001; ExAC 0.00005.
gnomAD v4.1: 13 of 1,495,676 alleles (0.00087%); highest among the groups gnomAD compares: Admixed American, 0.0058%; no homozygotes.

Submissions (3):

Ambry Genetics
Classification: Likely benign for Inborn genetic diseases. Last evaluated: 2025-05-18. Review status: criteria provided, single submitter. Criteria: Ambry Variant Classification Scheme 2023. Collection method: clinical testing. Allele origin: germline.

Revvity Omics, Revvity
Classification: Uncertain significance. Last evaluated: 2024-07-30. Review status: criteria provided, single submitter. Criteria: ACMG Guidelines, 2015. Collection method: clinical testing. Allele origin: germline.

Labcorp Genetics (formerly Invitae), Labcorp
Classification: Uncertain significance for Muscular dystrophy-dystroglycanopathy (congenital with impaired intellectual development), type B, 2; Muscular dystrophy-dystroglycanopathy (congenital with brain and eye anomalies), type A2; Autosomal recessive limb-girdle muscular dystrophy type 2N. Last evaluated: 2024-01-24. Review status: criteria provided, single submitter. Criteria: Invitae Variant Classification Sherloc (09022015). Collection method: clinical testing. Allele origin: germline.
Comment: This sequence change replaces valine, which is neutral and non-polar, with alanine, which is neutral and non-polar, at codon 703 of the POMT2 protein (p.Val703Ala). This variant is present in population databases (rs770189006, gnomAD 0.01%). This variant has not been reported in the literature in individuals affected with POMT2-related conditions. ClinVar contains an entry for this variant (Variation ID: 1412478). Advanced modeling of protein sequence and biophysical properties (such as structural, functional, and spatial information, amino acid conservation, physicochemical variation, residue mobility, and thermodynamic stability) performed at Invitae indicates that this missense variant is not expected to disrupt POMT2 protein function with a negative predictive value of 95%. In summary, the available evidence is currently insufficient to determine the role of this variant in disease. Therefore, it has been classified as a Variant of Uncertain Significance.

NM_013382.7(POMT2):c.2108T>C (p.Val703Ala)

Gene: POMT2 (protein O-mannosyltransferase 2; minus strand). Cytogenetic location: 14q24.3.
Variant type: single nucleotide variant.
Coding change: c.2108T>C on transcript NM_013382.7 (MANE Select); coding-DNA position 2108, T replaced by C.
Protein change: p.Val703Ala; replaces valine 703 with alanine.
Molecular consequence: missense variant.
Genome position (GRCh38, 1-based): chr14:77,278,433, A>G on the plus strand (T>C on the coding strand, the complement: POMT2 is on the minus strand). VCF-style: chr14-77278433-A-G. GRCh37 (hg19) VCF-style: chr14-77744776-A-G.
Other names: c.2108T>C (NM_013382.5); short protein forms V703A.
Identifiers: ClinVar variation 1412478 (VCV001412478.6), dbSNP rs770189006, ClinGen allele CA7285544.